The following is an entry in ClinVar:

NM_000465.4(BARD1):c.149G>A (p.Cys50Tyr)

Gene: BARD1 (BRCA1 associated RING domain 1; minus strand). Cytogenetic location: 2q35.
Variant type: single nucleotide variant.
Coding change: c.149G>A on transcript NM_000465.4 (MANE Select); coding-DNA position 149, G replaced by A.
Protein change: p.Cys50Tyr; replaces cysteine 50 with tyrosine.
Molecular consequence: missense variant. On other transcripts: non-coding transcript variant (3).
Genome position (GRCh38, 1-based): chr2:214,809,421, C>T on the plus strand (G>A on the coding strand, the complement: BARD1 is on the minus strand). VCF-style: chr2-214809421-C-T. GRCh37 (hg19) VCF-style: chr2-215674145-C-T.
Other names: c.149G>A, p.Cys50Tyr (NM_001282543.2, NM_001282545.2, NM_001282548.2 and 1 more transcripts); c.149G>A (NM_000465.2); short protein forms C50Y.
Identifiers: ClinVar variation 2113181 (VCV002113181.5), dbSNP rs2106170814, ClinGen allele CA350464762.

ClinVar aggregate classification (germline): Uncertain significance. Review status: criteria provided, multiple submitters, no conflicts (2 of 4 stars). 2 submissions from 2 submitters: Uncertain significance (2). Last evaluated 2025-07-10.

Conditions:
Familial cancer of breast. Also called: hereditary breast carcinoma; BREAST CANCER, FAMILIAL; Hereditary breast cancer. Identifiers: Orphanet 227535, MedGen C0346153, MONDO:0016419, OMIM 114480. Disease mechanism: loss of function.
Hereditary cancer-predisposing syndrome. Also called: Neoplastic Syndromes, Hereditary; Tumor predisposition; Hereditary Cancer Syndrome; Hereditary neoplastic syndrome. Identifiers: Orphanet 140162, MedGen C0027672, MeSH D009386, MONDO:0015356.

Submissions (2):

Ambry Genetics
Classification: Uncertain significance for Hereditary cancer-predisposing syndrome. Last evaluated: 2025-07-10. Review status: criteria provided, single submitter. Criteria: Ambry Variant Classification Scheme 2023. Collection method: clinical testing. Allele origin: germline.
Comment: The p.C50Y variant (also known as c.149G>A), located in coding exon 1 of the BARD1 gene, results from a G to A substitution at nucleotide position 149. The cysteine at codon 50 is replaced by tyrosine, an amino acid with highly dissimilar properties. This amino acid position is highly conserved in available vertebrate species. In addition, this alteration is predicted to be deleterious by in silico analysis. Based on the available evidence, the clinical significance of this variant remains unclear.

Labcorp Genetics (formerly Invitae), Labcorp
Classification: Uncertain significance for Familial cancer of breast. Last evaluated: 2022-03-18. Review status: criteria provided, single submitter. Criteria: Invitae Variant Classification Sherloc (09022015). Collection method: clinical testing. Allele origin: germline.
Comment: In summary, the available evidence is currently insufficient to determine the role of this variant in disease. Therefore, it has been classified as a Variant of Uncertain Significance. Algorithms developed to predict the effect of missense changes on protein structure and function are either unavailable or do not agree on the potential impact of this missense change (SIFT: "Deleterious"; PolyPhen-2: "Probably Damaging"; Align-GVGD: "Class C0"). This variant has not been reported in the literature in individuals affected with BARD1-related conditions. This variant is not present in population databases (gnomAD no frequency). This sequence change replaces cysteine, which is neutral and slightly polar, with tyrosine, which is neutral and polar, at codon 50 of the BARD1 protein (p.Cys50Tyr).